The following is an entry in ClinVar:

ClinVar aggregate classification (germline): Uncertain significance (1 of 4 stars; one submission).

Submission:

GeneDx
Classification: Uncertain significance. Last evaluated: 2024-07-22. Review status: criteria provided, single submitter. Criteria: GeneDx Variant Classification Process June 2021. Collection method: clinical testing. Allele origin: germline. Affected: yes.
Comment: Not observed at significant frequency in large population cohorts (gnomAD); In silico analysis indicates that this missense variant does not alter protein structure/function; Has not been previously published as pathogenic or benign to our knowledge

NM_001128840.3(CACNA1D):c.229G>A (p.Val77Ile)

Gene: CACNA1D (calcium voltage-gated channel subunit alpha1 D; plus strand). Cytogenetic location: 3p21.1.
Variant type: single nucleotide variant.
Coding change: c.229G>A on transcript NM_001128840.3 (MANE Select); coding-DNA position 229, G replaced by A.
Protein change: p.Val77Ile; replaces valine 77 with isoleucine.
Molecular consequence: missense variant.
Genome position (GRCh38, 1-based): chr3:53,497,313, G>A. VCF-style: chr3-53497313-G-A. GRCh37 (hg19) VCF-style: chr3-53531340-G-A.
Other names: c.229G>A, p.Val77Ile (NM_000720.4, NM_001128839.3); short protein forms V77I.
Identifiers: ClinVar variation 3600849 (VCV003600849.1).